The following is an entry in ClinVar:

ClinVar aggregate classification (germline): Benign (0 of 4 stars; one submission).

Conditions:
CNOT1-related disorder. Also called: CNOT1-related condition.

Allele frequency attached by ClinVar (database versions not stated): 1000 Genomes Project 0.00280; 1000 Genomes Project 30x 0.00328; gnomAD 0.00420; TOPMed 0.00521; ESP Exome Variant Server 0.00523.
gnomAD v4.1: 1,426 of 1,613,590 alleles (0.088%); highest among the groups gnomAD compares: African/African-American, 1.6%; 10 homozygotes.

Submission:

PreventionGenetics, part of Exact Sciences
Classification: Benign for CNOT1-related condition. Last evaluated: 2019-06-13. Review status: no assertion criteria provided. Collection method: clinical testing. Allele origin: germline.
Comment: This variant is classified as benign based on ACMG/AMP sequence variant interpretation guidelines (Richards et al. 2015 PMID: 25741868, with internal and published modifications).

NM_016284.5(CNOT1):c.4434+44G>C

Gene: CNOT1 (CCR4-NOT transcription complex subunit 1; minus strand). Cytogenetic location: 16q21.
Variant type: single nucleotide variant.
Coding change: c.4434+44G>C on transcript NM_016284.5 (MANE Select); 44 bases into the intron after coding-DNA position 4434, G replaced by C.
Molecular consequence: intron variant. On other transcripts: missense variant (1).
Genome position (GRCh38, 1-based): chr16:58,543,563, C>G on the plus strand (G>C on the coding strand, the complement: CNOT1 is on the minus strand). VCF-style: chr16-58543563-C-G. GRCh37 (hg19) VCF-style: chr16-58577467-C-G.
Other names: c.4478G>C, p.Cys1493Ser (NM_206999.3); c.4419+44G>C (NM_001265612.2); short protein forms C1493S.
Identifiers: ClinVar variation 3039575 (VCV003039575.2), dbSNP rs149955130, ClinGen allele CA8089173.